The following is an entry in ClinVar:

NM_004380.3(CREBBP):c.882C>A (p.Asn294Lys)

Gene: CREBBP (CREB binding lysine acetyltransferase; minus strand). Cytogenetic location: 16p13.3.
Variant type: single nucleotide variant.
Coding change: c.882C>A on transcript NM_004380.3 (MANE Select); coding-DNA position 882, C replaced by A.
Protein change: p.Asn294Lys; replaces asparagine 294 with lysine.
Molecular consequence: missense variant.
Genome position (GRCh38, 1-based): chr16:3,810,696, G>T on the plus strand (C>A on the coding strand, the complement: CREBBP is on the minus strand). VCF-style: chr16-3810696-G-T. GRCh37 (hg19) VCF-style: chr16-3860697-G-T.
Other names: c.882C>A, p.Asn294Lys (NM_001079846.1); short protein forms N294K.
Identifiers: ClinVar variation 2725797 (VCV002725797.4), dbSNP rs2141346983, ClinGen allele CA394566039.
Genomic context (GRCh38, chr16:3,810,696, plus strand): 5'-GATATCTGTAGGGAAGGTGGGCAAACTGTTGACCATGCTCTGTTTGCTGGCTAACTGGGG[G>T]TTCACTCCAGTGGCTCCCATTGGCTGCCCTCCAGCTTGACTAAAGGGCTGTCCAAATGGA-3'
Protein context (NP_004371.2, residues 284-304): GGQPMGATGV[Asn294Lys]PQLASKQSMV

ClinVar aggregate classification (germline): Uncertain significance. Review status: criteria provided, multiple submitters, no conflicts (2 of 4 stars). 2 submissions from 2 submitters: Uncertain significance (2). Last evaluated 2025-10-13.

Conditions:
Rubinstein-Taybi syndrome (RSTS). Identifiers: Orphanet 783, MedGen C0035934, MONDO:0019188.

gnomAD v4.1: 2 of 1,613,916 alleles (0.00012%); highest among the groups gnomAD compares: Non-Finnish European, 0.00017%; no homozygotes.

Submissions (2):

Women's Health and Genetics/Laboratory Corporation of America, LabCorp
Classification: Uncertain significance. Last evaluated: 2025-10-13. Review status: criteria provided, single submitter. Criteria: LabCorp Variant Classification Summary - May 2015. Collection method: clinical testing. Allele origin: germline.
Comment: Variant summary: CREBBP c.882C>A (p.Asn294Lys) results in a non-conservative amino acid change in the encoded protein sequence. Algorithms developed to predict the effect of missense changes on protein structure and function are either unavailable or do not agree on the potential impact of this missense change. The variant was absent in 251458 control chromosomes. The available data on variant occurrences in the general population are insufficient to allow any conclusion about variant significance. To our knowledge, no occurrence of c.882C>A in individuals affected with CREBBP-related conditions and no experimental evidence demonstrating its impact on protein function have been reported. ClinVar contains an entry for this variant (Variation ID: 2725797). Based on the evidence outlined above, the variant was classified as uncertain significance.

Labcorp Genetics (formerly Invitae), Labcorp
Classification: Uncertain significance for Rubinstein-Taybi syndrome. Last evaluated: 2023-12-30. Review status: criteria provided, single submitter. Criteria: Invitae Variant Classification Sherloc (09022015). Collection method: clinical testing. Allele origin: germline.
Comment: This sequence change replaces asparagine, which is neutral and polar, with lysine, which is basic and polar, at codon 294 of the CREBBP protein (p.Asn294Lys). This variant is not present in population databases (gnomAD no frequency). This variant has not been reported in the literature in individuals affected with CREBBP-related conditions. Advanced modeling of protein sequence and biophysical properties (such as structural, functional, and spatial information, amino acid conservation, physicochemical variation, residue mobility, and thermodynamic stability) has been performed at Invitae for this missense variant, however the output from this modeling did not meet the statistical confidence thresholds required to predict the impact of this variant on CREBBP protein function. In summary, the available evidence is currently insufficient to determine the role of this variant in disease. Therefore, it has been classified as a Variant of Uncertain Significance.